The following is an entry in ClinVar:

NM_003906.5(MCM3AP):c.1102G>A (p.Glu368Lys)

Gene: MCM3AP (minichromosome maintenance complex component 3 associated protein; minus strand). Cytogenetic location: 21q22.3.
Variant type: single nucleotide variant.
Coding change: c.1102G>A on transcript NM_003906.5 (MANE Select); coding-DNA position 1102, G replaced by A.
Protein change: p.Glu368Lys; replaces glutamic acid 368 with lysine.
Molecular consequence: missense variant.
Genome position (GRCh38, 1-based): chr21:46,284,185, C>T on the plus strand (G>A on the coding strand, the complement: MCM3AP is on the minus strand). VCF-style: chr21-46284185-C-T. GRCh37 (hg19) VCF-style: chr21-47704099-C-T.
Other names: c.1102G>A (NM_003906.3); short protein forms E368K.
Identifiers: ClinVar variation 1347061 (VCV001347061.4), dbSNP rs754494691, ClinGen allele CA10077194.

ClinVar aggregate classification (germline): Uncertain significance. Review status: criteria provided, multiple submitters, no conflicts (2 of 4 stars). 2 submissions from 2 submitters: Uncertain significance (2). Last evaluated 2023-08-08.

Conditions:
Inborn genetic diseases. Identifiers: MedGen C0950123, MeSH D030342.

Allele frequency attached by ClinVar (database versions not stated): gnomAD 0.00001 and 0.00002; TOPMed 0.00004; gnomAD exomes 0.00006; ExAC 0.00010.

Submissions (2):

Ambry Genetics
Classification: Uncertain significance for Inborn genetic diseases. Last evaluated: 2023-08-08. Review status: criteria provided, single submitter. Criteria: Ambry Variant Classification Scheme 2023. Collection method: clinical testing. Allele origin: germline.

Labcorp Genetics (formerly Invitae), Labcorp
Classification: Uncertain significance. Last evaluated: 2022-08-21. Review status: criteria provided, single submitter. Criteria: Invitae Variant Classification Sherloc (09022015). Collection method: clinical testing. Allele origin: germline.
Comment: This sequence change replaces glutamic acid, which is acidic and polar, with lysine, which is basic and polar, at codon 368 of the MCM3AP protein (p.Glu368Lys). This variant is present in population databases (rs754494691, gnomAD 0.08%). This variant has not been reported in the literature in individuals affected with MCM3AP-related conditions. ClinVar contains an entry for this variant (Variation ID: 1347061). Algorithms developed to predict the effect of missense changes on protein structure and function output the following: SIFT: "Deleterious"; PolyPhen-2: "Benign"; Align-GVGD: "Class C0". The lysine amino acid residue is found in multiple mammalian species, which suggests that this missense change does not adversely affect protein function. In summary, the available evidence is currently insufficient to determine the role of this variant in disease. Therefore, it has been classified as a Variant of Uncertain Significance.